The following is an entry in ClinVar:

ClinVar aggregate classification (germline): Uncertain significance (1 of 4 stars; one submission).

Submission:

Labcorp Genetics (formerly Invitae), Labcorp
Classification: Uncertain significance. Last evaluated: 2022-09-07. Review status: criteria provided, single submitter. Criteria: Invitae Variant Classification Sherloc (09022015). Collection method: clinical testing. Allele origin: germline.
Comment: Algorithms developed to predict the effect of missense changes on protein structure and function are either unavailable or do not agree on the potential impact of this missense change (SIFT: "Tolerated"; PolyPhen-2: "Not Available"; Align-GVGD: "Class C0"). In summary, the available evidence is currently insufficient to determine the role of this variant in disease. Therefore, it has been classified as a Variant of Uncertain Significance. ClinVar contains an entry for this variant (Variation ID: 1450260). This variant has not been reported in the literature in individuals affected with PCLO-related conditions. This variant is not present in population databases (gnomAD no frequency). This sequence change replaces lysine, which is basic and polar, with asparagine, which is neutral and polar, at codon 1170 of the PCLO protein (p.Lys1170Asn).

NM_033026.6(PCLO):c.3510A>T (p.Lys1170Asn)

Gene: PCLO (piccolo presynaptic cytomatrix protein; minus strand). Cytogenetic location: 7q21.11.
Variant type: single nucleotide variant.
Coding change: c.3510A>T on transcript NM_033026.6 (MANE Select); coding-DNA position 3510, A replaced by T.
Protein change: p.Lys1170Asn; replaces lysine 1170 with asparagine.
Molecular consequence: missense variant.
Genome position (GRCh38, 1-based): chr7:82,966,278, T>A on the plus strand (A>T on the coding strand, the complement: PCLO is on the minus strand). VCF-style: chr7-82966278-T-A. GRCh37 (hg19) VCF-style: chr7-82595594-T-A.
Other names: c.3510A>T, p.Lys1170Asn (NM_014510.3); short protein forms K1170N.
Identifiers: ClinVar variation 1450260 (VCV001450260.8), dbSNP rs2115662928, ClinGen allele CA367933293.
Genomic context (GRCh38, chr7:82,966,278, plus strand): 5'-GGTTACCATAGGAGGAATTTTTTCCATTGATAGTGTTTCCTTTACTTTTTCCAGAATGAC[T>A]TTTTCAGCTTCCGTTTTTACTTCTTGTTCTTGCTTTTTCACTAATTTTACTTGGGGAGGC-3'
Protein context (NP_149015.2, residues 1160-1180): QEQEVKTEAE[Lys1170Asn]VILEKVKETL